The following is an entry in ClinVar:

ClinVar aggregate classification (germline): Uncertain significance (1 of 4 stars; one submission).

Conditions:
Koolen-de Vries syndrome (KDVS). Identifiers: Orphanet 96169, MedGen C1864871, MONDO:0012496, OMIM 610443.

Allele frequency attached by ClinVar (database versions not stated): ExAC 0.00001.

Submission:

Labcorp Genetics (formerly Invitae), Labcorp
Classification: Uncertain significance for Koolen-de Vries syndrome. Last evaluated: 2025-08-29. Review status: criteria provided, single submitter. Criteria: Invitae Variant Classification Sherloc (09022015). Collection method: clinical testing. Allele origin: germline.
Comment: This sequence change replaces serine, which is neutral and polar, with proline, which is neutral and non-polar, at codon 535 of the KANSL1 protein (p.Ser535Pro). This variant is present in population databases (rs763041904, gnomAD 0.006%). This variant has not been reported in the literature in individuals affected with KANSL1-related conditions. ClinVar contains an entry for this variant (Variation ID: 2038713). Invitae Evidence Modeling of protein sequence and biophysical properties (such as structural, functional, and spatial information, amino acid conservation, physicochemical variation, residue mobility, and thermodynamic stability) indicates that this missense variant is not expected to disrupt KANSL1 protein function with a negative predictive value of 80%. In summary, the available evidence is currently insufficient to determine the role of this variant in disease. Therefore, it has been classified as a Variant of Uncertain Significance.

NM_015443.4(KANSL1):c.1603T>C (p.Ser535Pro)

Gene: KANSL1 (KAT8 regulatory NSL complex subunit 1). Cytogenetic location: 17q21.31.
Variant type: single nucleotide variant.
Coding change: c.1603T>C on transcript NM_015443.4 (MANE Select); coding-DNA position 1603, T replaced by C.
Protein change: p.Ser535Pro; replaces serine 535 with proline.
Molecular consequence: missense variant.
Genome position (GRCh38, 1-based): chr17:46,067,598, A>G on the plus strand (T>C on the coding strand, the complement: KANSL1 is on the minus strand). VCF-style: chr17-46067598-A-G. GRCh37 (hg19) VCF-style: chr17-44144964-A-G.
Other names: c.1603T>C, p.Ser535Pro (NM_001405858.1, NM_001405872.1, NM_001405873.1 and 14 more transcripts); c.1501T>C, p.Ser501Pro (NM_001405859.1, NM_001405860.1, NM_001405861.1 and 1 more transcripts); c.337T>C, p.Ser113Pro (NM_001405882.1, NM_001405883.1, NM_001405884.1 and 1 more transcripts); short protein forms S113P, S501P, S535P.
Identifiers: ClinVar variation 2038713 (VCV002038713.4), dbSNP rs763041904, ClinGen allele CA291126806.